The following is an entry in ClinVar:

ClinVar aggregate classification (germline): Uncertain significance (1 of 4 stars; one submission).

Conditions:
Primary ciliary dyskinesia. Also called: Ciliary dyskinesia. Identifiers: Orphanet 244, MedGen C0008780, MONDO:0016575, HP:0012265.

Submission:

Labcorp Genetics (formerly Invitae), Labcorp
Classification: Uncertain significance for Primary ciliary dyskinesia. Last evaluated: 2025-02-10. Review status: criteria provided, single submitter. Criteria: Invitae Variant Classification Sherloc (09022015). Collection method: clinical testing. Allele origin: germline.
Comment: This sequence change replaces aspartic acid, which is acidic and polar, with valine, which is neutral and non-polar, at codon 162 of the DNAI1 protein (p.Asp162Val). This variant is not present in population databases (gnomAD no frequency). This variant has not been reported in the literature in individuals affected with DNAI1-related conditions. ClinVar contains an entry for this variant (Variation ID: 525237). Invitae Evidence Modeling of protein sequence and biophysical properties (such as structural, functional, and spatial information, amino acid conservation, physicochemical variation, residue mobility, and thermodynamic stability) indicates that this missense variant is not expected to disrupt DNAI1 protein function with a negative predictive value of 95%. In summary, the available evidence is currently insufficient to determine the role of this variant in disease. Therefore, it has been classified as a Variant of Uncertain Significance.

NM_012144.4(DNAI1):c.485A>T (p.Asp162Val)

Gene: DNAI1 (dynein axonemal intermediate chain 1; plus strand). Cytogenetic location: 9p13.3.
Variant type: single nucleotide variant.
Coding change: c.485A>T on transcript NM_012144.4 (MANE Select); coding-DNA position 485, A replaced by T.
Protein change: p.Asp162Val; replaces aspartic acid 162 with valine.
Molecular consequence: missense variant.
Genome position (GRCh38, 1-based): chr9:34,490,108, A>T. VCF-style: chr9-34490108-A-T. GRCh37 (hg19) VCF-style: chr9-34490106-A-T.
Other names: c.497A>T, p.Asp166Val (NM_001281428.2); short protein forms D162V, D166V.
Identifiers: ClinVar variation 525237 (VCV000525237.9), dbSNP rs1554687745, ClinGen allele CA373246259.